The following is an entry in ClinVar:

NM_001370259.2(MEN1):c.1691T>A (p.Leu564Gln)

Gene: MEN1 (menin 1; minus strand). Cytogenetic location: 11q13.1.
Variant type: single nucleotide variant.
Coding change: c.1691T>A on transcript NM_001370259.2 (MANE Select); coding-DNA position 1691, T replaced by A.
Protein change: p.Leu564Gln; replaces leucine 564 with glutamine.
Molecular consequence: missense variant. On other transcripts: non-coding transcript variant (4).
Genome position (GRCh38, 1-based): chr11:64,804,476, A>T on the plus strand (T>A on the coding strand, the complement: MEN1 is on the minus strand). VCF-style: chr11-64804476-A-T. GRCh37 (hg19) VCF-style: chr11-64571948-A-T.
Other names: c.1817T>A, p.Leu606Gln (NM_001407143.1, NM_001407144.1, NM_001370251.2 and 1 more transcripts); c.1706T>A, p.Leu569Gln (NM_000244.4, NM_001407145.1, NM_130800.3 and 4 more transcripts); c.1691T>A, p.Leu564Gln (NM_001370260.2, NM_001370261.2, NM_001407146.1 and 2 more transcripts); c.1586T>A, p.Leu529Gln (NM_001370262.2, NM_001370263.2, NM_001407148.1 and 1 more transcripts); c.1832T>A, p.Leu611Gln (NM_001407150.1); c.1712T>A, p.Leu571Gln (NM_001407151.1); c.1526T>A, p.Leu509Gln (NM_001407152.1); short protein forms L529Q, L571Q, L509Q, L564Q, L611Q, L569Q, L606Q.
Identifiers: ClinVar variation 3394991 (VCV003394991.1).

ClinVar aggregate classification (germline): Uncertain significance (1 of 4 stars; one submission).

Conditions:
Hereditary cancer-predisposing syndrome. Also called: Hereditary Cancer Syndrome; Tumor predisposition; Hereditary neoplastic syndrome; Neoplastic Syndromes, Hereditary. Identifiers: Orphanet 140162, MedGen C0027672, MeSH D009386, MONDO:0015356.

Submission:

Ambry Genetics
Classification: Uncertain significance for Hereditary cancer-predisposing syndrome. Last evaluated: 2024-11-26. Review status: criteria provided, single submitter. Criteria: Ambry Variant Classification Scheme 2023. Collection method: clinical testing. Allele origin: germline.
Comment: The p.L564Q variant (also known as c.1691T>A), located in coding exon 9 of the MEN1 gene, results from a T to A substitution at nucleotide position 1691. The leucine at codon 564 is replaced by glutamine, an amino acid with dissimilar properties. This amino acid position is highly conserved in available vertebrate species. In addition, this alteration is predicted to be deleterious by in silico analysis. Based on the available evidence, the clinical significance of this variant remains unclear.